The following is an entry in ClinVar:

NM_138413.4(HOGA1):c.568C>T (p.Pro190Ser)

Gene: HOGA1 (4-hydroxy-2-oxoglutarate aldolase 1; plus strand). Cytogenetic location: 10q24.2.
Variant type: single nucleotide variant.
Coding change: c.568C>T on transcript NM_138413.4 (MANE Select); coding-DNA position 568, C replaced by T.
Protein change: p.Pro190Ser; replaces proline 190 with serine.
Molecular consequence: missense variant. On other transcripts: intron variant (1).
Genome position (GRCh38, 1-based): chr10:97,599,779, C>T. VCF-style: chr10-97599779-C-T. GRCh37 (hg19) VCF-style: chr10-99359536-C-T.
Other names: c.212-2078C>T (NM_001134670.2); short protein forms P190S.
Identifiers: ClinVar variation 2863899 (VCV002863899.3), dbSNP rs2135722254, ClinGen allele CA377979137.

ClinVar aggregate classification (germline): Likely pathogenic (1 of 4 stars; one submission).

Submission:

Labcorp Genetics (formerly Invitae), Labcorp
Classification: Likely pathogenic. Last evaluated: 2023-05-13. Review status: criteria provided, single submitter. Criteria: Invitae Variant Classification Sherloc (09022015). Collection method: clinical testing. Allele origin: germline.
Comment: In summary, the currently available evidence indicates that the variant is pathogenic, but additional data are needed to prove that conclusively. Therefore, this variant has been classified as Likely Pathogenic. This variant disrupts the p.Pro190 amino acid residue in HOGA1. Other variant(s) that disrupt this residue have been determined to be pathogenic (PMID: 21896830, 22781098, 27561601). This suggests that this residue is clinically significant, and that variants that disrupt this residue are likely to be disease-causing. Advanced modeling of protein sequence and biophysical properties (such as structural, functional, and spatial information, amino acid conservation, physicochemical variation, residue mobility, and thermodynamic stability) performed at Invitae indicates that this missense variant is expected to disrupt HOGA1 protein function. This variant has not been reported in the literature in individuals affected with HOGA1-related conditions. This variant is not present in population databases (gnomAD no frequency). This sequence change replaces proline, which is neutral and non-polar, with serine, which is neutral and polar, at codon 190 of the HOGA1 protein (p.Pro190Ser).

Literature cited by the submitters: PubMed 21896830; PubMed 22781098; PubMed 27561601.